The following is an entry in ClinVar:

NM_022455.5(NSD1):c.3997A>G (p.Asn1333Asp)

Gene: NSD1 (nuclear receptor binding SET domain protein 1; plus strand). Cytogenetic location: 5q35.3.
Variant type: single nucleotide variant.
Coding change: c.3997A>G on transcript NM_022455.5 (MANE Select); coding-DNA position 3997, A replaced by G.
Protein change: p.Asn1333Asp; replaces asparagine 1333 with aspartic acid.
Molecular consequence: missense variant.
Genome position (GRCh38, 1-based): chr5:177,238,312, A>G. VCF-style: chr5-177238312-A-G. GRCh37 (hg19) VCF-style: chr5-176665313-A-G.
Other names: c.3124A>G, p.Asn1042Asp (NM_001365684.2, NM_001409306.1, NM_001409307.1 and 3 more transcripts); c.3997A>G, p.Asn1333Asp (NM_001409301.1, NM_001409302.1, NM_001409303.1); c.3577A>G, p.Asn1193Asp (NM_001409304.1); c.3244A>G, p.Asn1082Asp (NM_001409305.1); short protein forms N1042D, N1082D, N1193D, N1333D.
Identifiers: ClinVar variation 2573818 (VCV002573818.1), dbSNP rs1765612663, ClinGen allele CA362340005.

ClinVar aggregate classification (germline): Uncertain significance (1 of 4 stars; one submission).

Allele frequency attached by ClinVar (database versions not stated): gnomAD exomes below 0.00001; TOPMed below 0.00001.
gnomAD v4.1: 3 of 1,614,106 alleles (0.00019%); highest among the groups gnomAD compares: Non-Finnish European, 0.00025%; no homozygotes.

Submission:

GeneDx
Classification: Uncertain significance. Last evaluated: 2023-07-18. Review status: criteria provided, single submitter. Criteria: GeneDx Variant Classification Process June 2021. Collection method: clinical testing. Allele origin: germline. Affected: yes.
Comment: Not observed at significant frequency in large population cohorts (gnomAD); In silico analysis supports that this missense variant does not alter protein structure/function; Has not been previously published as pathogenic or benign to our knowledge